The following is an entry in ClinVar:

NM_000435.3(NOTCH3):c.520T>C (p.Cys174Arg)

Gene: NOTCH3 (notch receptor 3; minus strand). Cytogenetic location: 19p13.12.
Variant type: single nucleotide variant.
Coding change: c.520T>C on transcript NM_000435.3 (MANE Select); coding-DNA position 520, T replaced by C.
Protein change: p.Cys174Arg; replaces cysteine 174 with arginine.
Molecular consequence: missense variant.
Genome position (GRCh38, 1-based): chr19:15,192,119, A>G on the plus strand (T>C on the coding strand, the complement: NOTCH3 is on the minus strand). VCF-style: chr19-15192119-A-G. GRCh37 (hg19) VCF-style: chr19-15302930-A-G.
Other names: short protein forms C174R.
Identifiers: ClinVar variation 810776 (VCV000810776.19), dbSNP rs1599394806, ClinGen allele CA404533742.
Genomic context (GRCh38, chr19:15,192,119, plus strand): 5'-ATAGTGGCCCTGTGTAGCCAGCTGGACACTGGCAGCGGAAGGAGCCAGGTGTGTTGAGGC[A>G]GGTGCCACCATGGCGGCAGGGCTCACCCACCCGGCACTCATCCACGTCGCTTCGGCAGCT-3'
Protein context (NP_000426.2, residues 164-184): VGEPCRHGGT[Cys174Arg]LNTPGSFRCQ

ClinVar aggregate classification (germline): Pathogenic/Likely pathogenic. Review status: criteria provided, multiple submitters, no conflicts (2 of 4 stars). 5 submissions from 5 submitters: Pathogenic (3); Likely pathogenic (2). Last evaluated 2026-01-18.

Conditions:
NOTCH3-related disorder. Also called: NOTCH3-related condition; NOTCH3-related disorders.
Cerebral arteriopathy, autosomal dominant, with subcortical infarcts and leukoencephalopathy, type 1 (CADASIL1). Also called: DEMENTIA, HEREDITARY MULTIINFARCT TYPE; CADASIL 1; CASIL; Cerebral arteriopathy with subcortical infarcts and leukoencephalopathy 1. Identifiers: Orphanet 136, MedGen C4551768, MONDO:0000914, OMIM 125310.

Submissions (5):

Women's Health and Genetics/Laboratory Corporation of America, LabCorp
Classification: Pathogenic for Cerebral arteriopathy, autosomal dominant, with subcortical infarcts and leukoencephalopathy, type 1. Last evaluated: 2026-01-18. Review status: criteria provided, single submitter. Criteria: LabCorp Variant Classification Summary - May 2015. Collection method: clinical testing. Allele origin: germline.
Comment: Variant summary: NOTCH3 c.520T>C (p.Cys174Arg) results in a non-conservative amino acid change in the encoded protein sequence. Algorithms developed to predict the effect of missense changes on protein structure and function all suggest that this variant is likely to be disruptive. The variant was absent in 248824 control chromosomes (gnomAD). c.520T>C has been observed in multiple individuals affected with Cerebral arteriopathy, autosomal dominant, with subcortical infarcts and leukoencephalopathy, type 1 (e.g. Santa_2003, Kim_2020, Min_2022). These data indicate that the variant is very likely to be associated with disease. A different variant affecting the same codon has been classified as pathogenic by our lab (c.521G>A, p.Cys174Tyr), supporting the critical relevance of codon 174 to NOTCH3 protein function. The following publications have been ascertained in the context of this evaluation (PMID: 12810003, 32555735, 34741685). ClinVar contains an entry for this variant (Variation ID: 810776). Based on the evidence outlined above, the variant was classified as pathogenic.

CeGaT Center for Human Genetics Tuebingen
Classification: Pathogenic. Last evaluated: 2024-12-01. Review status: criteria provided, single submitter. Criteria: CeGaT Center For Human Genetics Tuebingen Variant Classification Criteria Version 2. Collection method: clinical testing. Allele origin: germline. Affected: yes. Observed: 1 variant allele.
Comment: NOTCH3: PM1:Strong, PM2, PM5, PS4:Moderate, PP3

MGZ Medical Genetics Center
Classification: Likely pathogenic for Cerebral arteriopathy, autosomal dominant, with subcortical infarcts and leukoencephalopathy, type 1. Last evaluated: 2022-08-18. Review status: criteria provided, single submitter. Criteria: ACMG Guidelines, 2015. Collection method: clinical testing. Allele origin: germline. Affected: yes. Observed: 1 variant allele.
Comment: ACMG criteria applied: PM1, PM5, PM2_SUP, PP1, PP3

Athena Diagnostics
Classification: Pathogenic. Last evaluated: 2021-08-13. Review status: criteria provided, single submitter. Criteria: Athena Diagnostics Criteria. Collection method: clinical testing. Allele origin: unknown.
Comment: This variant has not been reported in large, multi-ethnic general populations. This variant has been identified in at least one individual with clinical features associated with this gene. This variant alters a critical location within the protein, and is expected to severely affect function and cause disease. Greater than 90% of pathogenic variants identified in NOTCH3 involve the gain or loss of a cysteine residue within the epidermal growth factor (EGF)-like repeat domain.

Blueprint Genetics
Classification: Likely pathogenic for NOTCH3-related disorders. Last evaluated: 2018-11-08. Review status: criteria provided, single submitter. Criteria: ACMG Guidelines, 2015. Collection method: clinical testing. Allele origin: germline. Affected: yes. Observed: 1 variant allele.

Literature cited by the submitters: PubMed 34741685 (cited by Women's Health and Genetics/Laboratory Corporation of America, LabCorp); PubMed 32555735 (cited by Women's Health and Genetics/Laboratory Corporation of America, LabCorp); PubMed 12810003 (cited by Women's Health and Genetics/Laboratory Corporation of America, LabCorp and Athena Diagnostics); PubMed 19174371 (cited by Athena Diagnostics); PubMed 16256149 (cited by Athena Diagnostics); PubMed 17761910 (cited by Athena Diagnostics); PubMed 15364702 (cited by Athena Diagnostics); PubMed 16717210 (cited by Athena Diagnostics).